The following is an entry in ClinVar:

NM_022132.5(MCCC2):c.1054G>A (p.Gly352Arg)

Gene: MCCC2 (methylcrotonyl-CoA carboxylase subunit 2; plus strand). Cytogenetic location: 5q13.2.
Variant type: single nucleotide variant.
Coding change: c.1054G>A on transcript NM_022132.5 (MANE Select); coding-DNA position 1054, G replaced by A.
Protein change: p.Gly352Arg; replaces glycine 352 with arginine.
Molecular consequence: missense variant.
Genome position (GRCh38, 1-based): chr5:71,641,057, G>A. VCF-style: chr5-71641057-G-A. GRCh37 (hg19) VCF-style: chr5-70936884-G-A.
Other names: c.940G>A, p.Gly314Arg (NM_001363147.1); short protein forms G352R, G314R.
Identifiers: ClinVar variation 1521043 (VCV001521043.8), dbSNP rs765438239, ClinGen allele CA3297989.

ClinVar aggregate classification (germline): Pathogenic/Likely pathogenic. Review status: criteria provided, multiple submitters, no conflicts (2 of 4 stars). 3 submissions from 3 submitters: Pathogenic (1); Likely pathogenic (2). Last evaluated 2024-01-21.

Conditions:
3-methylcrotonyl-CoA carboxylase 2 deficiency. Also called: 3 alpha methylcrotonyl-CoA carboxylase 2 deficiency; 3 alpha methylcrotonylglycinuria 2; MCC 2 deficiency; Methylcrotonylglycinuria type 2; METHYLCROTONYLGLYCINURIA, TYPE II. Identifiers: Orphanet 6, MedGen C1859499, MONDO:0008862, OMIM 210210.
Methylcrotonyl-CoA carboxylase deficiency. Also called: Deficiency of methylcrotonoyl-CoA carboxylase; 3 Methylcrotonylglycinuria; 3-MCC Deficiency. Identifiers: Orphanet 6, MedGen C4551505, MONDO:0018950.

Allele frequency attached by ClinVar (database versions not stated): gnomAD exomes below 0.00001 and 0.00001; ExAC 0.00001.
gnomAD v4.1: 2 of 1,613,874 alleles (0.00012%); highest among the groups gnomAD compares: South Asian, 0.0011%; no homozygotes.

Submissions (3):

Baylor Genetics
Classification: Likely pathogenic for 3-methylcrotonyl-CoA carboxylase 2 deficiency. Last evaluated: 2024-01-21. Review status: criteria provided, single submitter. Criteria: ACMG Guidelines, 2015. Collection method: clinical testing. Allele origin: unknown.

Women's Health and Genetics/Laboratory Corporation of America, LabCorp
Classification: Pathogenic for Methylcrotonyl-CoA carboxylase deficiency. Last evaluated: 2023-10-09. Review status: criteria provided, single submitter. Criteria: LabCorp Variant Classification Summary - May 2015. Collection method: clinical testing. Allele origin: germline.
Comment: Variant summary: MCCC2 c.1054G>A (p.Gly352Arg) results in a non-conservative amino acid change to a highly conserved residue (HGMD) located in the Acetyl-coenzyme A carboxyltransferase, C-terminal (IPR011763) of the encoded protein sequence. Five of five in-silico tools predict a damaging effect of the variant on protein function. Consensus agreement among computation tools predict no significant impact on normal splicing. However publications reports experimental evidence that this variant affects mRNA splicing (Dantas_2005, Stucki_2009). The variant allele was found at a frequency of 8e-06 in 251280 control chromosomes (gnomAD). c.1054G>A has been reported in the literature in individuals affected with Methylcrotonyl-CoA Carboxylase Deficiency (Dantas_2005, Shepard_2009). These data indicate that the variant is likely to be associated with disease. Publications report experimental evidence evaluating an impact on protein function. The most pronounced variant effect results in <10% of normal enzymatic activity. The following publications have been ascertained in the context of this evaluation (PMID: 16010683, 19706617, 25356967). One submitter has cited a clinical-significance assessment for this variant to ClinVar after 2014 and has classified the variant likely pathogenic. Based on the evidence outlined above, the variant was classified as pathogenic.

Labcorp Genetics (formerly Invitae), Labcorp
Classification: Likely pathogenic for 3-methylcrotonyl-CoA carboxylase 2 deficiency. Last evaluated: 2022-01-15. Review status: criteria provided, single submitter. Criteria: Invitae Variant Classification Sherloc (09022015). Collection method: clinical testing. Allele origin: germline.
Comment: In summary, the currently available evidence indicates that the variant is pathogenic, but additional data are needed to prove that conclusively. Therefore, this variant has been classified as Likely Pathogenic. Studies have shown that this missense change alters mRNA splicing and is expected to lead to the loss of protein expression (PMID: 19706617). Experimental studies have shown that this missense change affects MCCC2 function (PMID: 16010683). Advanced modeling of protein sequence and biophysical properties (such as structural, functional, and spatial information, amino acid conservation, physicochemical variation, residue mobility, and thermodynamic stability) performed at Invitae indicates that this missense variant is expected to disrupt MCCC2 protein function. This missense change has been observed in individual(s) with 3MCC deficiency and/or clinical features of MCCC2-related conditions (PMID: 16010683, 19706617, 25356967). This variant is present in population databases (rs765438239, gnomAD 0.003%). This sequence change replaces glycine, which is neutral and non-polar, with arginine, which is basic and polar, at codon 352 of the MCCC2 protein (p.Gly352Arg).

Literature cited by the submitters: PubMed 25356967 (cited by Women's Health and Genetics/Laboratory Corporation of America, LabCorp and Labcorp Genetics (formerly Invitae), Labcorp); PubMed 16010683 (cited by Women's Health and Genetics/Laboratory Corporation of America, LabCorp and Labcorp Genetics (formerly Invitae), Labcorp); PubMed 19706617 (cited by Women's Health and Genetics/Laboratory Corporation of America, LabCorp and Labcorp Genetics (formerly Invitae), Labcorp).